The following is an entry in ClinVar:

ClinVar aggregate classification (germline): Conflicting classifications of pathogenicity. Review status: criteria provided, conflicting classifications (1 of 4 stars). 10 submissions from 10 submitters: Uncertain significance (1); Benign (6); Likely benign (1). 2 of the submissions do not count toward it. Last evaluated 2026-09-01.

Conditions:
Charcot-Marie-Tooth disease type 4. Also called: Charcot-Marie-Tooth, Type 4; Charcot-Marie-Tooth disease, type IV. Identifiers: Orphanet 64749, MedGen C4082197, MONDO:0018995.
Charcot-Marie-Tooth disease type 4F. Also called: Charcot-Marie-Tooth disease, demyelinating, type 4F. Identifiers: Orphanet 99952, MedGen C3540453, MONDO:0013959, OMIM 614895.
Charcot-Marie-Tooth disease. Also called: Charcot-Marie-Tooth Neuropathy; Charcot-Marie-Tooth Hereditary Neuropathy. Identifiers: Orphanet 166, MedGen C0007959, MONDO:0015626.

Allele frequency attached by ClinVar (database versions not stated): 1000 Genomes Project 30x 0.00234; 1000 Genomes Project 0.00280; TOPMed 0.00314; gnomAD 0.00451 and 0.00456; gnomAD exomes 0.00451 and 0.00562; ExAC 0.00457; ESP Exome Variant Server 0.00507.
gnomAD v4.1: 8,814 of 1,614,152 alleles (0.55%); highest among the groups gnomAD compares: Non-Finnish European, 0.61%; 54 homozygotes.

Submissions (10):

CeGaT Center for Human Genetics Tuebingen
Classification: Likely benign. Last evaluated: 2026-09-01. Review status: criteria provided, single submitter. Criteria: CeGaT Center For Human Genetics Tuebingen Variant Classification Criteria Version 2. Collection method: clinical testing. Allele origin: germline. Affected: yes. Observed: 27 variant alleles.
Comment: PRX: BP4, BS2

Labcorp Genetics (formerly Invitae), Labcorp
Classification: Benign for Charcot-Marie-Tooth disease type 4. Last evaluated: 2026-01-26. Review status: criteria provided, single submitter. Criteria: Invitae Variant Classification Sherloc (09022015). Collection method: clinical testing. Allele origin: germline.

ARUP Laboratories, Molecular Genetics and Genomics, ARUP Laboratories
Classification: Benign. Last evaluated: 2024-12-17. Review status: criteria provided, single submitter. Criteria: ARUP Molecular Germline Variant Investigation Process 2024. Collection method: clinical testing. Allele origin: germline.

Athena Diagnostics
Classification: Benign for Charcot-Marie-Tooth disease type 4F. Last evaluated: 2017-05-23. Review status: criteria provided, single submitter. Criteria: Athena Diagnostics Criteria. Collection method: clinical testing. Allele origin: germline.

Illumina Laboratory Services, Illumina
Classification: Uncertain significance for Charcot-Marie-Tooth disease type 4F. Last evaluated: 2017-04-27. Review status: criteria provided, single submitter. Criteria: ICSL Variant Classification Criteria 13 December 2019. Collection method: clinical testing. Allele origin: germline.
Comment: This variant was observed as part of a predisposition screen in an ostensibly healthy population. A literature search was performed for the gene, cDNA change, and amino acid change (where applicable). Publications were found based on this search. However, the evidence from the literature, in combination with allele frequency data from public databases where available, was not sufficient to rule this variant in or out of causing disease. Therefore, this variant is classified as a variant of unknown significance.

Mayo Clinic Laboratories, Mayo Clinic
Classification: Benign. Last evaluated: 2016-05-19. Review status: criteria provided, single submitter. Criteria: ACMG Guidelines, 2015. Collection method: clinical testing. Allele origin: germline. Observed: 31 variant alleles.

GeneDx
Classification: Benign. Last evaluated: 2015-03-03. Review status: criteria provided, single submitter. Criteria: GeneDx Variant Classification Process June 2021. Collection method: clinical testing. Allele origin: germline. Affected: yes.

Molecular Genetics Laboratory, London Health Sciences Centre
Classification: Benign for Charcot-Marie-Tooth disease. Review status: criteria provided, single submitter. Criteria: ACMG Guidelines, 2015. Collection method: clinical testing. Allele origin: germline. Affected: yes.

Clinical Genetics, Academic Medical Center
Classification: Benign. Review status: no assertion criteria provided. Collection method: clinical testing. Allele origin: germline. Affected: yes. Study: VKGL Data-share Consensus. Not counted in ClinVar's aggregate classification.

Genome Diagnostics Laboratory, University Medical Center Utrecht
Classification: Benign. Review status: no assertion criteria provided. Collection method: clinical testing. Allele origin: germline. Affected: yes. Study: VKGL Data-share Consensus. Not counted in ClinVar's aggregate classification.

Literature cited by the submitters: PubMed 11133365 (cited by Athena Diagnostics and Illumina Laboratory Services, Illumina).

NM_181882.3(PRX):c.1216G>A (p.Ala406Thr)

Gene: PRX (periaxin; minus strand). Cytogenetic location: 19q13.2.
Variant type: single nucleotide variant.
Coding change: c.1216G>A on transcript NM_181882.3 (MANE Select); coding-DNA position 1216, G replaced by A.
Protein change: p.Ala406Thr; replaces alanine 406 with threonine.
Molecular consequence: missense variant. On other transcripts: 3 prime UTR variant (1).
Genome position (GRCh38, 1-based): chr19:40,397,136, C>T on the plus strand (G>A on the coding strand, the complement: PRX is on the minus strand). VCF-style: chr19-40397136-C-T. GRCh37 (hg19) VCF-style: chr19-40903043-C-T.
Other names: c.*1421G>A (NM_020956.2); short protein forms A406T.
Identifiers: ClinVar variation 220724 (VCV000220724.70), dbSNP rs117336941, ClinGen allele CA349607.